The following is an entry in ClinVar:

GRCh38/hg38 3q22.3(chr3:138946408-138948348)x1

Genes: FOXL2 (forkhead box L2; minus strand), FOXL2NB (FOXL2 neighbor; plus strand). Cytogenetic location: 3q22.3.
Variant type: copy number loss.
Change: copy number 1 (one copy instead of two) of chr3:138,946,408-138,948,348 (1.9 kb, GRCh38 coordinates, 1-based), cytogenetic band 3q22.3.
Identifiers: ClinVar variation 57081 (VCV000057081.1).

ClinVar aggregate classification (germline): Pathogenic (1 of 4 stars; one submission).

Submission:

ISCA site 4
Classification: Pathogenic. Last evaluated: 2011-08-12. Review status: criteria provided, single submitter. Criteria: Kaminsky et al. (Genet Med. 2011). Collection method: clinical testing. Allele origin: unknown. Affected: yes. Observed: 1 variant allele.
Comment: Copy number variation identified through the course of routine clinical cytogenomic testing in postnatal populations. Clinical assertions have been curated as described in Kaminsky et al. 2011.